The following is an entry in ClinVar:

ClinVar aggregate classification (germline): Uncertain significance. Review status: criteria provided, multiple submitters, no conflicts (2 of 4 stars). 2 submissions from 2 submitters: Uncertain significance (2). Last evaluated 2022-04-15.

Conditions:
Inborn genetic diseases. Identifiers: MedGen C0950123, MeSH D030342.

Allele frequency attached by ClinVar (database versions not stated): gnomAD exomes 0.00001; gnomAD 0.00002; ExAC 0.00004.
gnomAD v4.1: 22 of 1,611,324 alleles (0.0014%); highest among the groups gnomAD compares: South Asian, 0.024%; no homozygotes.

Submissions (2):

Ambry Genetics
Classification: Uncertain significance for Inborn genetic diseases. Last evaluated: 2022-04-15. Review status: criteria provided, single submitter. Criteria: Ambry Variant Classification Scheme 2023. Collection method: clinical testing. Allele origin: germline.

Labcorp Genetics (formerly Invitae), Labcorp
Classification: Uncertain significance. Last evaluated: 2022-03-14. Review status: criteria provided, single submitter. Criteria: Invitae Variant Classification Sherloc (09022015). Collection method: clinical testing. Allele origin: germline.
Comment: In summary, the available evidence is currently insufficient to determine the role of this variant in disease. Therefore, it has been classified as a Variant of Uncertain Significance. Algorithms developed to predict the effect of missense changes on protein structure and function output the following: SIFT: "Tolerated"; PolyPhen-2: "Benign"; Align-GVGD: "Class C0". The arginine amino acid residue is found in multiple mammalian species, which suggests that this missense change does not adversely affect protein function. This variant has not been reported in the literature in individuals affected with IARS2-related conditions. This variant is present in population databases (rs373788106, gnomAD 0.02%). This sequence change replaces lysine, which is basic and polar, with arginine, which is basic and polar, at codon 74 of the IARS2 protein (p.Lys74Arg).

NM_018060.4(IARS2):c.221A>G (p.Lys74Arg)

Gene: IARS2 (isoleucyl-tRNA synthetase 2, mitochondrial; plus strand). Cytogenetic location: 1q41.
Variant type: single nucleotide variant.
Coding change: c.221A>G on transcript NM_018060.4 (MANE Select); coding-DNA position 221, A replaced by G.
Protein change: p.Lys74Arg; replaces lysine 74 with arginine.
Molecular consequence: missense variant.
Genome position (GRCh38, 1-based): chr1:220,094,437, A>G. VCF-style: chr1-220094437-A-G. GRCh37 (hg19) VCF-style: chr1-220267779-A-G.
Other names: c.221A>G (NM_018060.3); short protein forms K74R.
Identifiers: ClinVar variation 2187424 (VCV002187424.4), dbSNP rs373788106, ClinGen allele CA1401049.